The following is an entry in ClinVar:

NM_001253697.2(ERBIN):c.3773G>A (p.Gly1258Glu)

Gene: ERBIN (erbb2 interacting protein; plus strand). Cytogenetic location: 5q12.3.
Variant type: single nucleotide variant.
Coding change: c.3773G>A on transcript NM_001253697.2 (MANE Select); coding-DNA position 3773, G replaced by A.
Protein change: p.Gly1258Glu; replaces glycine 1258 with glutamic acid.
Molecular consequence: missense variant. On other transcripts: intron variant (1).
Genome position (GRCh38, 1-based): chr5:66,075,040, G>A. VCF-style: chr5-66075040-G-A. GRCh37 (hg19) VCF-style: chr5-65370868-G-A.
Other names: c.3650G>A, p.Gly1217Glu (NM_001253698.2, NM_018695.4); c.3794G>A, p.Gly1265Glu (NM_001253699.2); c.3638G>A, p.Gly1213Glu (NM_001253701.2); c.3634-1276G>A (NM_001006600.3); short protein forms G1258E, G1213E, G1265E, G1217E.
Identifiers: ClinVar variation 1524972 (VCV001524972.6), dbSNP rs2151306347, ClinGen allele CA359870934.

ClinVar aggregate classification (germline): Uncertain significance (1 of 4 stars; one submission).

Submission:

Labcorp Genetics (formerly Invitae), Labcorp
Classification: Uncertain significance. Last evaluated: 2021-10-13. Review status: criteria provided, single submitter. Criteria: Invitae Variant Classification Sherloc (09022015). Collection method: clinical testing. Allele origin: germline.
Comment: This variant has not been reported in the literature in individuals affected with ERBIN-related conditions. Algorithms developed to predict the effect of missense changes on protein structure and function are either unavailable or do not agree on the potential impact of this missense change (SIFT: "Deleterious"; PolyPhen-2: "Probably Damaging"; Align-GVGD: "Class C0"). In summary, the available evidence is currently insufficient to determine the role of this variant in disease. Therefore, it has been classified as a Variant of Uncertain Significance. This variant is not present in population databases (ExAC no frequency). This sequence change replaces glycine with glutamic acid at codon 1258 of the ERBIN protein (p.Gly1258Glu). The glycine residue is highly conserved and there is a moderate physicochemical difference between glycine and glutamic acid.